The following is an entry in ClinVar:

ClinVar aggregate classification (germline): Conflicting classifications of pathogenicity. Review status: criteria provided, conflicting classifications (1 of 4 stars). 8 submissions from 8 submitters: Uncertain significance (7); Likely benign (1). Last evaluated 2025-11-25.

Conditions:
BRCA2-related cancer predisposition. Identifiers: MedGen CN377758, MONDO:0700269.
Hereditary cancer-predisposing syndrome. Also called: Tumor predisposition; Neoplastic Syndromes, Hereditary; Hereditary neoplastic syndrome; Hereditary Cancer Syndrome. Identifiers: Orphanet 140162, MedGen C0027672, MeSH D009386, MONDO:0015356.
Hereditary breast ovarian cancer syndrome. Also called: Hereditary breast and ovarian cancer syndrome; Hereditary breast and ovarian cancer syndrome (HBOC); Hereditary breast and ovarian cancer; Breast and ovarian cancer; BRCA1- and BRCA2-Associated Hereditary Breast and Ovarian Cancer; Hereditary breast and/or ovarian cancer syndrome. Identifiers: Orphanet 145, MedGen C0677776, MeSH D061325, MONDO:0003582. Disease mechanism: loss of function.

Allele frequency attached by ClinVar (database versions not stated): gnomAD exomes below 0.00001; TOPMed below 0.00001; gnomAD 0.00001.
gnomAD v4.1: 4 of 1,613,830 alleles (0.00025%); highest among the groups gnomAD compares: Non-Finnish European, 0.00034%; no homozygotes.

Submissions (8):

Ambry Genetics
Classification: Uncertain significance for Hereditary cancer-predisposing syndrome. Last evaluated: 2025-11-25. Review status: criteria provided, single submitter. Criteria: Ambry Variant Classification Scheme 2023. Collection method: clinical testing. Allele origin: germline.
Comment: The p.Q569K variant (also known as c.1705C>A), located in coding exon 9 of the BRCA2 gene, results from a C to A substitution at nucleotide position 1705. The glutamine at codon 569 is replaced by lysine, an amino acid with similar properties. This amino acid position is poorly conserved in available vertebrate species. In addition, this alteration is predicted to be tolerated by in silico analysis. Since supporting evidence is limited at this time, the clinical significance of this alteration remains unclear.

Labcorp Genetics (formerly Invitae), Labcorp
Classification: Uncertain significance for Hereditary breast ovarian cancer syndrome. Last evaluated: 2025-11-22. Review status: criteria provided, single submitter. Criteria: Invitae Variant Classification Sherloc (09022015). Collection method: clinical testing. Allele origin: germline.
Comment: This sequence change replaces glutamine, which is neutral and polar, with lysine, which is basic and polar, at codon 569 of the BRCA2 protein (p.Gln569Lys). This variant is not present in population databases (gnomAD no frequency). This variant has not been reported in the literature in individuals affected with BRCA2-related conditions. ClinVar contains an entry for this variant (Variation ID: 37752). Invitae Evidence Modeling of protein sequence and biophysical properties (such as structural, functional, and spatial information, amino acid conservation, physicochemical variation, residue mobility, and thermodynamic stability) indicates that this missense variant is not expected to disrupt BRCA2 protein function with a negative predictive value of 95%. In summary, the available evidence is currently insufficient to determine the role of this variant in disease. Therefore, it has been classified as a Variant of Uncertain Significance.

All of Us Research Program, National Institutes of Health
Classification: Uncertain significance for BRCA2-related cancer predisposition. Last evaluated: 2024-07-20. Review status: criteria provided, single submitter. Criteria: ACMG Guidelines, 2015. Collection method: clinical testing. Allele origin: germline. Inheritance: Autosomal dominant inheritance. Observed: 5 variant alleles, 5 heterozygotes.
Comment: This missense variant replaces glutamine with lysine at codon 569 of the BRCA2 protein. Computational prediction suggests that this variant may not impact protein structure and function (internally defined REVEL score threshold <= 0.5, PMID: 27666373). To our knowledge, functional studies have not been reported for this variant. This variant has been reported in an individual with personal and/or family history of breast or ovarian cancer (PMID: 30702160) and in a breast cancer case-control meta-analysis in 0/60463 cases and 1/53461 unaffected individuals (PMID: 33471991; Leiden Open Variation Database DB-ID BRCA2_007871). This variant has not been identified in the general population by the Genome Aggregation Database (gnomAD). The available evidence is insufficient to determine the role of this variant in disease conclusively. Therefore, this variant is classified as a Variant of Uncertain Significance.

This study involves interpretation of variants in research participants for the purpose of population health screening. Participant phenotype was not available at the time of variant classification. Additional details can be found in publication PMID: 35346344, PMCID: PMC8962531

Color Diagnostics, LLC DBA Color Health
Classification: Uncertain significance for Hereditary cancer-predisposing syndrome. Last evaluated: 2024-07-10. Review status: criteria provided, single submitter. Criteria: ACMG Guidelines, 2015. Collection method: clinical testing. Allele origin: germline.
Comment: This missense variant replaces glutamine with lysine at codon 569 of the BRCA2 protein. Computational prediction suggests that this variant may not impact protein structure and function. To our knowledge, functional studies have not been reported for this variant. This variant has been reported in an individual with personal and/or family history of breast or ovarian cancer (PMID: 30702160) and in a breast cancer case-control meta-analysis in 0/60463 cases and 1/53461 unaffected individuals (PMID: 33471991; Leiden Open Variation Database DB-ID BRCA2_007871). This variant has not been identified in the general population by the Genome Aggregation Database (gnomAD). The available evidence is insufficient to determine the role of this variant in disease conclusively. Therefore, this variant is classified as a Variant of Uncertain Significance.

University of Washington Department of Laboratory Medicine, University of Washington
Classification: Likely benign for Hereditary cancer-predisposing syndrome. Last evaluated: 2023-03-23. Review status: criteria provided, single submitter. Criteria: Dines et al. (Genet Med. 2020). Collection method: curation. Allele origin: germline.
Comment: Missense variant in a coldspot region where missense variants are very unlikely to be pathogenic (PMID:31911673).

BRCA2 exon 10 coldspot. Reclassification based on statistical prior probability.

Quest Diagnostics Nichols Institute San Juan Capistrano
Classification: Uncertain significance. Last evaluated: 2020-11-05. Review status: criteria provided, single submitter. Criteria: Quest Diagnostics criteria. Collection method: clinical testing. Allele origin: unknown.

Women's Health and Genetics/Laboratory Corporation of America, LabCorp
Classification: Uncertain significance. Last evaluated: 2020-09-03. Review status: criteria provided, single submitter. Criteria: LabCorp Variant Classification Summary - May 2015. Collection method: clinical testing. Allele origin: germline.
Comment: Variant summary: BRCA2 c.1705C>A (p.Gln569Lys) results in a conservative amino acid change in the encoded protein sequence. Five of five in-silico tools predict a benign effect of the variant on protein function. The variant was absent in 251136 control chromosomes (gnomAD). The available data on variant occurrences in the general population are insufficient to allow any conclusion about variant significance. To our knowledge, no occurrence of c.1705C>A in individuals affected with Hereditary Breast And Ovarian Cancer Syndrome and no experimental evidence demonstrating its impact on protein function have been reported. Four ClinVar submitters (evaluation after 2014) cite the variant as uncertain significance. Based on the evidence outlined above, the variant was classified as uncertain significance.

GeneDx
Classification: Uncertain significance. Last evaluated: 2017-04-12. Review status: criteria provided, single submitter. Criteria: GeneDx Variant Classification (06012015). Collection method: clinical testing. Allele origin: germline. Affected: yes.
Comment: This variant is denoted BRCA2 c.1705C>A at the cDNA level, p.Gln569Lys (Q569K) at the protein level, and results in the change of a Glutamine to a Lysine (CAG>AAG). Using alternate nomenclature, this variant would be defined as BRCA2 1933C>A. This variant has not, to our knowledge, been published in the literature as pathogenic or benign. BRCA2 Gln569Lys was not observed in approximately 6,500 individuals of European and African American ancestry in the NHLBI Exome Sequencing Project, suggesting it is not a common benign variant in these populations. Since Glutamine and Lysine differ in some properties, this is considered a semi-conservative amino acid substitution. BRCA2 Gln569Lys occurs at a position that is not conserved and is not located in a known functional domain (Uniprot). In silico analyses predict that this variant is unlikely to alter protein structure or function. Based on currently available information, it is unclear whether BRCA2 Gln569Lys is pathogenic or benign. We consider it to be a variant of uncertain significance.

Literature cited by the submitters: PubMed 30702160 (cited by All of Us Research Program, National Institutes of Health and Color Diagnostics, LLC DBA Color Health); PubMed 33471991 (cited by All of Us Research Program, National Institutes of Health and Color Diagnostics, LLC DBA Color Health).

NM_000059.4(BRCA2):c.1705C>A (p.Gln569Lys)

Gene: BRCA2 (BRCA2 DNA repair associated; plus strand). Cytogenetic location: 13q13.1.
Variant type: single nucleotide variant.
Coding change: c.1705C>A on transcript NM_000059.4 (MANE Select); coding-DNA position 1705, C replaced by A.
Protein change: p.Gln569Lys; replaces glutamine 569 with lysine.
Molecular consequence: missense variant.
Genome position (GRCh38, 1-based): chr13:32,333,183, C>A. VCF-style: chr13-32333183-C-A. GRCh37 (hg19) VCF-style: chr13-32907320-C-A.
Other names: 1933C>A; short protein forms Q569K.
Identifiers: ClinVar variation 37752 (VCV000037752.28), dbSNP rs397507274, ClinGen allele CA012949.